The following is an entry in ClinVar:

ClinVar aggregate classification (germline): Likely pathogenic. Review status: criteria provided, single submitter (1 of 4 stars). 2 submissions from 2 submitters: Likely pathogenic (1). 1 of the submissions does not count toward it. Last evaluated 2024-09-25.

Conditions:
Familial amyloid nephropathy with urticaria AND deafness (MWS). Also called: Urticaria, deafness and amyloidosis; CRYOPYRIN-ASSOCIATED PERIODIC SYNDROME 2; MUCKLE-WELLS SYNDROME; UDA SYNDROME; URTICARIA-DEAFNESS-AMYLOIDOSIS SYNDROME. Identifiers: Orphanet 575, MedGen C0268390, MONDO:0008633, OMIM 191900.
Familial cold autoinflammatory syndrome 1 (FCAS1). Also called: CRYOPYRIN-ASSOCIATED PERIODIC SYNDROME 1; Familial cold inflammatory syndrome 1. Identifiers: Orphanet 47045, MedGen C4551895, MONDO:0007349, OMIM 120100.

Submissions (2):

Institute of Medical Genetics and Applied Genomics, University Hospital Tübingen
Classification: Likely pathogenic for Familial amyloid nephropathy with urticaria AND deafness. Last evaluated: 2024-09-25. Review status: criteria provided, single submitter. Criteria: ACMG Guidelines, 2015. Collection method: clinical testing. Allele origin: germline. Inheritance: Autosomal dominant inheritance. Affected: yes.

Unité médicale des maladies autoinflammatoires, CHRU Montpellier
No classification provided. Condition: Familial cold urticaria. Review status: no classification provided. Collection method: not provided. Allele origin: unknown. Not counted in ClinVar's aggregate classification.
Comment: also involved in OMIM 191900 and 607115

NM_001243133.2(NLRP3):c.1985T>C (p.Met662Thr)

Gene: NLRP3 (NLR family pyrin domain containing 3; plus strand). Cytogenetic location: 1q44.
Variant type: single nucleotide variant.
Coding change: c.1985T>C on transcript NM_001243133.2 (MANE Select); coding-DNA position 1985, T replaced by C.
Protein change: p.Met662Thr; replaces methionine 662 with threonine.
Molecular consequence: missense variant.
Genome position (GRCh38, 1-based): chr1:247,425,434, T>C. VCF-style: chr1-247425434-T-C. GRCh37 (hg19) VCF-style: chr1-247588736-T-C.
Other names: c.1985T>C, p.Met662Thr (NM_001079821.3, NM_001127461.3, NM_001127462.3 and 1 more transcripts); c.1991T>C, p.Met664Thr (NM_004895.5); short protein forms M664T, M662T.
Identifiers: ClinVar variation 97953 (VCV000097953.2), dbSNP rs180177435, ClinGen allele CA281290.